The following is an entry in ClinVar:

NM_198334.3(GANAB):c.548C>T (p.Ala183Val)

Gene: GANAB (glucosidase II alpha subunit; minus strand). Cytogenetic location: 11q12.3.
Variant type: single nucleotide variant.
Coding change: c.548C>T on transcript NM_198334.3 (MANE Select); coding-DNA position 548, C replaced by T.
Protein change: p.Ala183Val; replaces alanine 183 with valine.
Molecular consequence: missense variant. On other transcripts: 5 prime UTR variant (2).
Genome position (GRCh38, 1-based): chr11:62,634,833, G>A on the plus strand (C>T on the coding strand, the complement: GANAB is on the minus strand). VCF-style: chr11-62634833-G-A. GRCh37 (hg19) VCF-style: chr11-62402305-G-A.
Other names: c.206C>T, p.Ala69Val (NM_001278192.2, NM_001278193.2); c.257C>T, p.Ala86Val (NM_001278194.2, NM_001329222.2, NM_001329223.2); c.-229C>T (NM_001329224.2, NM_001329225.2); c.548C>T, p.Ala183Val (NM_198335.4); c.548C>T (NM_198335.2); short protein forms A69V, A183V, A86V.
Identifiers: ClinVar variation 1371454 (VCV001371454.11), dbSNP rs921091711, ClinGen allele CA223050924.

ClinVar aggregate classification (germline): Uncertain significance. Review status: criteria provided, multiple submitters, no conflicts (2 of 4 stars). 3 submissions from 3 submitters: Uncertain significance (3). Last evaluated 2025-06-12.

Conditions:
Polycystic kidney disease 3 with or without polycystic liver disease. Also called: Polycystic kidney disease 3; Polycystic Kidney and/or Polycystic Liver Disease 3; POLYCYSTIC KIDNEY DISEASE, ADULT, TYPE III. Identifiers: MedGen C3887964, MONDO:0010916, OMIM 600666.
Inborn genetic diseases. Identifiers: MedGen C0950123, MeSH D030342.

Allele frequency attached by ClinVar (database versions not stated): gnomAD exomes 0.00001; gnomAD 0.00007 and 0.00008; TOPMed 0.00022.
gnomAD v4.1: 23 of 1,613,424 alleles (0.0014%); highest among the groups gnomAD compares: Admixed American, 0.027%; no homozygotes.

Submissions (3):

Labcorp Genetics (formerly Invitae), Labcorp
Classification: Uncertain significance. Last evaluated: 2025-06-12. Review status: criteria provided, single submitter. Criteria: Invitae Variant Classification Sherloc (09022015). Collection method: clinical testing. Allele origin: germline.
Comment: This sequence change replaces alanine, which is neutral and non-polar, with valine, which is neutral and non-polar, at codon 183 of the GANAB protein (p.Ala183Val). This variant is present in population databases (no rsID available, gnomAD 0.004%). This variant has not been reported in the literature in individuals affected with GANAB-related conditions. ClinVar contains an entry for this variant (Variation ID: 1371454). Invitae Evidence Modeling of protein sequence and biophysical properties (such as structural, functional, and spatial information, amino acid conservation, physicochemical variation, residue mobility, and thermodynamic stability) indicates that this missense variant is not expected to disrupt GANAB protein function with a negative predictive value of 95%. In summary, the available evidence is currently insufficient to determine the role of this variant in disease. Therefore, it has been classified as a Variant of Uncertain Significance.

Fulgent Genetics
Classification: Uncertain significance for Polycystic kidney disease 3 with or without polycystic liver disease. Last evaluated: 2024-06-11. Review status: criteria provided, single submitter. Criteria: ACMG Guidelines, 2015. Collection method: clinical testing. Allele origin: germline.

Ambry Genetics
Classification: Uncertain significance for Inborn genetic diseases. Last evaluated: 2024-01-17. Review status: criteria provided, single submitter. Criteria: Ambry Variant Classification Scheme 2023. Collection method: clinical testing. Allele origin: germline.